The following is an entry in ClinVar:

ClinVar aggregate classification (germline): Uncertain significance (1 of 4 stars; one submission).

Conditions:
Norman-Roberts syndrome (LIS2). Also called: Lissencephaly 2 (Norman-Roberts type). Identifiers: Orphanet 89844, MedGen C0796089, MONDO:0009760, OMIM 257320.
Familial temporal lobe epilepsy 7. Identifiers: Orphanet 101046, MedGen C4225327, MONDO:0014639, OMIM 616436.

Allele frequency attached by ClinVar (database versions not stated): TOPMed below 0.00001.

Submission:

Labcorp Genetics (formerly Invitae), Labcorp
Classification: Uncertain significance for Familial temporal lobe epilepsy 7; Norman-Roberts syndrome. Last evaluated: 2022-09-22. Review status: criteria provided, single submitter. Criteria: Invitae Variant Classification Sherloc (09022015). Collection method: clinical testing. Allele origin: germline.
Comment: In summary, the available evidence is currently insufficient to determine the role of this variant in disease. Therefore, it has been classified as a Variant of Uncertain Significance. Advanced modeling of protein sequence and biophysical properties (such as structural, functional, and spatial information, amino acid conservation, physicochemical variation, residue mobility, and thermodynamic stability) performed at Invitae indicates that this missense variant is not expected to disrupt RELN protein function. This variant has not been reported in the literature in individuals affected with RELN-related conditions. This variant is not present in population databases (gnomAD no frequency). This sequence change replaces serine, which is neutral and polar, with cysteine, which is neutral and slightly polar, at codon 1838 of the RELN protein (p.Ser1838Cys).

NM_005045.4(RELN):c.5513C>G (p.Ser1838Cys)

Gene: RELN (reelin; minus strand). Cytogenetic location: 7q22.1.
Variant type: single nucleotide variant.
Coding change: c.5513C>G on transcript NM_005045.4 (MANE Select); coding-DNA position 5513, C replaced by G.
Protein change: p.Ser1838Cys; replaces serine 1838 with cysteine.
Molecular consequence: missense variant.
Genome position (GRCh38, 1-based): chr7:103,561,548, G>C on the plus strand (C>G on the coding strand, the complement: RELN is on the minus strand). VCF-style: chr7-103561548-G-C. GRCh37 (hg19) VCF-style: chr7-103201995-G-C.
Other names: c.5513C>G, p.Ser1838Cys (NM_173054.3); short protein forms S1838C.
Identifiers: ClinVar variation 1720081 (VCV001720081.5), dbSNP rs1398494353, ClinGen allele CA368743403.